The following is an entry in ClinVar:

ClinVar aggregate classification (germline): Uncertain significance. Review status: criteria provided, multiple submitters, no conflicts (2 of 4 stars). 3 submissions from 3 submitters: Uncertain significance (3). Last evaluated 2025-10-07.

Conditions:
Cardiovascular phenotype. Identifiers: MedGen CN230736.

gnomAD v4.1: 7 of 1,614,162 alleles (0.00043%); highest among the groups gnomAD compares: South Asian, 0.0011%; no homozygotes.

Submissions (3):

Labcorp Genetics (formerly Invitae), Labcorp
Classification: Uncertain significance. Last evaluated: 2025-10-07. Review status: criteria provided, single submitter. Criteria: Invitae Variant Classification Sherloc (09022015). Collection method: clinical testing. Allele origin: germline.
Comment: This sequence change replaces aspartic acid, which is acidic and polar, with valine, which is neutral and non-polar, at codon 308 of the LOX protein (p.Asp308Val). This variant is present in population databases (no rsID available, gnomAD 0.003%). This variant has not been reported in the literature in individuals affected with LOX-related conditions. ClinVar contains an entry for this variant (Variation ID: 1766285). Invitae Evidence Modeling of protein sequence and biophysical properties (such as structural, functional, and spatial information, amino acid conservation, physicochemical variation, residue mobility, and thermodynamic stability) has been performed for this missense variant. However, the output from this modeling did not meet the statistical confidence thresholds required to predict the impact of this variant on LOX protein function. In summary, the available evidence is currently insufficient to determine the role of this variant in disease. Therefore, it has been classified as a Variant of Uncertain Significance.

Ambry Genetics
Classification: Uncertain significance for Cardiovascular phenotype. Last evaluated: 2025-09-17. Review status: criteria provided, single submitter. Criteria: Ambry Variant Classification Scheme 2023. Collection method: clinical testing. Allele origin: germline.

GeneDx
Classification: Uncertain significance. Last evaluated: 2025-05-14. Review status: criteria provided, single submitter. Criteria: GeneDx Variant Classification Process June 2021. Collection method: clinical testing. Allele origin: germline. Affected: yes.
Comment: Not observed at significant frequency in large population cohorts (gnomAD); In silico analysis supports that this missense variant has a deleterious effect on protein structure/function; Has not been previously published as pathogenic or benign to our knowledge

NM_002317.7(LOX):c.923A>T (p.Asp308Val)

Genes: LOX (lysyl oxidase; minus strand), SRFBP1 (serum response factor binding protein 1; plus strand). Cytogenetic location: 5q23.1.
Variant type: single nucleotide variant.
Coding change: c.923A>T on transcript NM_002317.7 (MANE Select); coding-DNA position 923, A replaced by T.
Protein change: p.Asp308Val; replaces aspartic acid 308 with valine.
Molecular consequence: missense variant.
Genome position (GRCh38, 1-based): chr5:122,074,125, T>A on the plus strand (A>T on the coding strand, the complement: LOX is on the minus strand). VCF-style: chr5-122074125-T-A. GRCh37 (hg19) VCF-style: chr5-121409820-T-A.
Other names: c.923A>T (NM_002317.6); c.233A>T, p.Asp78Val (NM_001178102.2); c.32A>T, p.Asp11Val (NM_001317073.1); short protein forms D308V, D11V, D78V.
Identifiers: ClinVar variation 1766285 (VCV001766285.8), dbSNP rs1212480895, ClinGen allele CA360881738.